The following is an entry in ClinVar:

NM_001710.6(CFB):c.467C>T (p.Ala156Val)

Gene: CFB (complement factor B; plus strand). Cytogenetic location: 6p21.33.
Variant type: single nucleotide variant.
Coding change: c.467C>T on transcript NM_001710.6 (MANE Select); coding-DNA position 467, C replaced by T.
Protein change: p.Ala156Val; replaces alanine 156 with valine.
Molecular consequence: missense variant.
Genome position (GRCh38, 1-based): chr6:31,947,175, C>T. VCF-style: chr6-31947175-C-T. GRCh37 (hg19) VCF-style: chr6-31914952-C-T.
Other names: short protein forms A156V.
Identifiers: ClinVar variation 1934007 (VCV001934007.5), dbSNP rs758009846, ClinGen allele CA3728037.

ClinVar aggregate classification (germline): Uncertain significance (1 of 4 stars; one submission).

Allele frequency attached by ClinVar (database versions not stated): gnomAD exomes below 0.00001; ExAC 0.00001.
gnomAD v4.1: 5 of 1,612,410 alleles (0.00031%); highest among the groups gnomAD compares: Non-Finnish European, 0.00042%; no homozygotes.

Submission:

Labcorp Genetics (formerly Invitae), Labcorp
Classification: Uncertain significance. Last evaluated: 2023-04-10. Review status: criteria provided, single submitter. Criteria: Invitae Variant Classification Sherloc (09022015). Collection method: clinical testing. Allele origin: germline.
Comment: This sequence change replaces alanine, which is neutral and non-polar, with valine, which is neutral and non-polar, at codon 156 of the CFB protein (p.Ala156Val). This variant is present in population databases (rs758009846, gnomAD 0.0009%). This variant has not been reported in the literature in individuals affected with CFB-related conditions. ClinVar contains an entry for this variant (Variation ID: 1934007). Advanced modeling of protein sequence and biophysical properties (such as structural, functional, and spatial information, amino acid conservation, physicochemical variation, residue mobility, and thermodynamic stability) has been performed at Invitae for this missense variant, however the output from this modeling did not meet the statistical confidence thresholds required to predict the impact of this variant on CFB protein function. In summary, the available evidence is currently insufficient to determine the role of this variant in disease. Therefore, it has been classified as a Variant of Uncertain Significance.